The following is an entry in ClinVar:

NM_001122769.3(LCA5):c.720+1G>A

Gene: LCA5 (lebercilin LCA5; minus strand). Cytogenetic location: 6q14.1.
Variant type: single nucleotide variant.
Coding change: c.720+1G>A on transcript NM_001122769.3 (MANE Select); the canonical splice donor site of the intron after coding-DNA position 720, G replaced by A.
Molecular consequence: splice donor variant.
Genome position (GRCh38, 1-based): chr6:79,513,211, C>T on the plus strand (G>A on the coding strand, the complement: LCA5 is on the minus strand). VCF-style: chr6-79513211-C-T. GRCh37 (hg19) VCF-style: chr6-80222928-C-T.
Other names: c.720+1G>A (NM_181714.4).
Identifiers: ClinVar variation 2734918 (VCV002734918.3), dbSNP rs2533438023, ClinGen allele CA364628004.

ClinVar aggregate classification (germline): Likely pathogenic (1 of 4 stars; one submission).

Submission:

Labcorp Genetics (formerly Invitae), Labcorp
Classification: Likely pathogenic. Last evaluated: 2023-01-24. Review status: criteria provided, single submitter. Criteria: Invitae Variant Classification Sherloc (09022015). Collection method: clinical testing. Allele origin: germline.
Comment: In summary, the currently available evidence indicates that the variant is pathogenic, but additional data are needed to prove that conclusively. Therefore, this variant has been classified as Likely Pathogenic. Studies have shown that disruption of this splice site results in an aberrant LCA5 transcript and introduces a premature termination codon (PMID: 24144451). The resulting mRNA is expected to undergo nonsense-mediated decay. Disruption of this splice site has been observed in individual(s) with LCA5-related conditions (PMID: 24144451). This variant is not present in population databases (gnomAD no frequency). This sequence change affects a donor splice site in intron 4 of the LCA5 gene. RNA analysis indicates that disruption of this splice site induces altered splicing and may result in an absent or disrupted protein product.

Literature cited by the submitters: PubMed 24144451.